The following is an entry in ClinVar:

ClinVar aggregate classification (germline): Likely benign (1 of 4 stars; one submission).

Allele frequency attached by ClinVar (database versions not stated): gnomAD exomes below 0.00001.
gnomAD v4.1: 1 of 1,444,676 alleles (0.000069%); highest among the groups gnomAD compares: African/African-American, 0.0015%; no homozygotes.

Submission:

GeneDx
Classification: Likely benign. Last evaluated: 2016-09-15. Review status: criteria provided, single submitter. Criteria: GeneDx Variant Classification (06012015). Collection method: clinical testing. Allele origin: germline. Affected: yes.
Comment: This variant is considered likely benign or benign based on one or more of the following criteria: it is a conservative change, it occurs at a poorly conserved position in the protein, it is predicted to be benign by multiple in silico algorithms, and/or has population frequency not consistent with disease.

NM_017882.3(CLN6):c.-29G>T

Gene: CLN6 (CLN6 transmembrane ER protein; minus strand). Cytogenetic location: 15q23.
Variant type: single nucleotide variant.
Coding change: c.-29G>T on transcript NM_017882.3 (MANE Select); 29 bases upstream of the start codon, G replaced by T.
Molecular consequence: 5 prime UTR variant.
Genome position (GRCh38, 1-based): chr15:68,229,613, C>A on the plus strand (G>T on the coding strand, the complement: CLN6 is on the minus strand). VCF-style: chr15-68229613-C-A. GRCh37 (hg19) VCF-style: chr15-68521951-C-A.
Identifiers: ClinVar variation 389094 (VCV000389094.1), dbSNP rs1057523327, ClinGen allele CA16607858.